The following is an entry in ClinVar:

ClinVar aggregate classification (germline): Likely benign (0 of 4 stars; one submission).

Conditions:
PLXNA1-related disorder. Also called: PLXNA1-related condition.

Allele frequency attached by ClinVar (database versions not stated): ExAC 0.00002; gnomAD exomes 0.00002; gnomAD 0.00005; TOPMed 0.00013; ESP Exome Variant Server 0.00023.
gnomAD v4.1: 41 of 1,613,544 alleles (0.0025%); highest among the groups gnomAD compares: African/African-American, 0.023%; 1 homozygote.

Submission:

PreventionGenetics, part of Exact Sciences
Classification: Likely benign for PLXNA1-related condition. Last evaluated: 2022-07-19. Review status: no assertion criteria provided. Collection method: clinical testing. Allele origin: germline.
Comment: This variant is classified as likely benign based on ACMG/AMP sequence variant interpretation guidelines (Richards et al. 2015 PMID: 25741868, with internal and published modifications).

NM_032242.4(PLXNA1):c.864C>T (p.Asp288=)

Gene: PLXNA1 (plexin A1; plus strand). Cytogenetic location: 3q21.3.
Variant type: single nucleotide variant.
Coding change: c.864C>T on transcript NM_032242.4 (MANE Select); coding-DNA position 864, C replaced by T.
Protein change: p.Asp288=; no amino-acid change (aspartic acid 288 retained).
Molecular consequence: synonymous variant.
Genome position (GRCh38, 1-based): chr3:126,989,457, C>T. VCF-style: chr3-126989457-C-T. GRCh37 (hg19) VCF-style: chr3-126708300-C-T.
Identifiers: ClinVar variation 3051120 (VCV003051120.2), dbSNP rs139269120, ClinGen allele CA2593067.